The following is an entry in ClinVar:

NC_000001.10:g.(?_237580329)_(237995947_?)dup

Gene: RYR2 (ryanodine receptor 2; plus strand). Cytogenetic location: 1q43.
Variant type: Duplication.
Identifiers: ClinVar variation 2423536 (VCV002423536.3).

ClinVar aggregate classification (germline): Uncertain significance (1 of 4 stars; one submission).

Conditions:
Catecholaminergic polymorphic ventricular tachycardia 1. Also called: VENTRICULAR TACHYCARDIA, CATECHOLAMINERGIC POLYMORPHIC, 1, WITH OR WITHOUT ATRIAL DYSFUNCTION AND/OR DILATED CARDIOMYOPATHY; RYR2-Related Catecholaminergic Polymorphic Ventricular Tachycardia; VENTRICULAR TACHYCARDIA, STRESS-INDUCED POLYMORPHIC 1. Identifiers: Orphanet 3286, MedGen C1631597, MONDO:0011484, OMIM 604772.

Submission:

Labcorp Genetics (formerly Invitae), Labcorp
Classification: Uncertain significance for Catecholaminergic polymorphic ventricular tachycardia 1. Last evaluated: 2021-03-23. Review status: criteria provided, single submitter. Criteria: Invitae Variant Classification Sherloc (09022015). Collection method: clinical testing. Allele origin: germline.
Comment: This variant results in a copy number gain of the genomic region encompassing exon(s) 11-105 of the RYR2 gene. The 5' boundary is likely confined to intron 10. The 3' end of this event is unknown as it extends beyond the assayed region for this gene and therefore may encompass additional genes. As the precise location of this event is unknown, it may be in tandem or it may be located elsewhere in the genome. This variant has not been reported in the literature in individuals with RYR2-related conditions. Experimental studies and prediction algorithms are not available or were not evaluated, and the functional significance of this variant is currently unknown. In summary, the available evidence is currently insufficient to determine the role of this variant in disease. Therefore, it has been classified as a Variant of Uncertain Significance.